The following is an entry in ClinVar:

NM_144991.3(TSPEAR):c.584G>A (p.Gly195Glu)

Gene: TSPEAR (thrombospondin type laminin G domain and EAR repeats; minus strand). Cytogenetic location: 21q22.3.
Variant type: single nucleotide variant.
Coding change: c.584G>A on transcript NM_144991.3 (MANE Select); coding-DNA position 584, G replaced by A.
Protein change: p.Gly195Glu; replaces glycine 195 with glutamic acid.
Molecular consequence: missense variant.
Genome position (GRCh38, 1-based): chr21:44,531,092, C>T on the plus strand (G>A on the coding strand, the complement: TSPEAR is on the minus strand). VCF-style: chr21-44531092-C-T. GRCh37 (hg19) VCF-style: chr21-45950975-C-T.
Other names: c.380G>A, p.Gly127Glu (NM_001272037.2); short protein forms G127E, G195E.
Identifiers: ClinVar variation 4192622 (VCV004192622.2).

ClinVar aggregate classification (germline): Uncertain significance. Review status: criteria provided, multiple submitters, no conflicts (2 of 4 stars). 2 submissions from 2 submitters: Uncertain significance (2). Last evaluated 2025-07-01.

Conditions:
Inborn genetic diseases. Identifiers: MedGen C0950123, MeSH D030342.

Submissions (2):

Ambry Genetics
Classification: Uncertain significance for Inborn genetic diseases. Last evaluated: 2025-07-01. Review status: criteria provided, single submitter. Criteria: Ambry Variant Classification Scheme 2023. Collection method: clinical testing. Allele origin: germline.

GeneDx
Classification: Uncertain significance. Last evaluated: 2025-04-14. Review status: criteria provided, single submitter. Criteria: GeneDx Variant Classification Process June 2021. Collection method: clinical testing. Allele origin: germline. Affected: yes.
Comment: Not observed at significant frequency in large population cohorts (gnomAD); In silico analysis supports that this missense variant has a deleterious effect on protein structure/function; Has not been previously published as pathogenic or benign to our knowledge